The following is an entry in ClinVar:

ClinVar aggregate classification (germline): Benign. Review status: criteria provided, multiple submitters, no conflicts (2 of 4 stars). 3 submissions from 3 submitters: Benign (2). 1 of the submissions does not count toward it. Last evaluated 2018-06-27.

Conditions:
CRISPLD2-related disorder. Also called: CRISPLD2-related condition.

Allele frequency attached by ClinVar (database versions not stated): ExAC 0.00227; 1000 Genomes Project 30x 0.00625; gnomAD exomes 0.00174; 1000 Genomes Project 0.00659; TOPMed 0.00793; gnomAD 0.00795; ESP Exome Variant Server 0.00785.
gnomAD v4.1: 2,209 of 1,614,068 alleles (0.14%); highest among the groups gnomAD compares: African/African-American, 2.6%; 32 homozygotes.

Submissions (4):

Labcorp Genetics (formerly Invitae), Labcorp
Classification: Benign. Last evaluated: 2018-06-27. Review status: criteria provided, single submitter. Criteria: Invitae Variant Classification Sherloc (09022015). Collection method: clinical testing. Allele origin: germline.

Breakthrough Genomics
Classification: Benign. Review status: criteria provided, single submitter. Criteria: ACMG Guidelines, 2015. Collection method: not provided. Allele origin: germline. Inheritance: Unknown mechanism. Affected: yes.

PreventionGenetics, part of Exact Sciences
Classification: Benign for CRISPLD2-related condition. Last evaluated: 2019-02-25. Review status: no assertion criteria provided. Collection method: clinical testing. Allele origin: germline. Not counted in ClinVar's aggregate classification.
Comment: This variant is classified as benign based on ACMG/AMP sequence variant interpretation guidelines (Richards et al. 2015 PMID: 25741868, with internal and published modifications).

Dr. Peter K. Rogan Lab, Western University
No classification provided (evidence only). Condition: Ovarian serous cystadenocarcinoma. Review status: no classification provided. Collection method: in vitro. Allele origin: not applicable. Functional consequence: retained intron. Not counted in ClinVar's aggregate classification.

NM_031476.4(CRISPLD2):c.808A>G (p.Met270Val)

Gene: CRISPLD2 (cysteine rich secretory protein LCCL domain containing 2; plus strand). Cytogenetic location: 16q24.1.
Variant type: single nucleotide variant.
Coding change: c.808A>G on transcript NM_031476.4 (MANE Select); coding-DNA position 808, A replaced by G.
Protein change: p.Met270Val; replaces methionine 270 with valine.
Molecular consequence: missense variant.
Genome position (GRCh38, 1-based): chr16:84,866,995, A>G. VCF-style: chr16-84866995-A-G. GRCh37 (hg19) VCF-style: chr16-84900601-A-G.
Other names: NC_000016.9:g.84900601A>G; short protein forms M270V.
Identifiers: ClinVar variation 778617 (VCV000778617.7), dbSNP rs114234975, ClinGen allele CA8211712.